The following is an entry in ClinVar:

NM_000722.4(CACNA2D1):c.1530G>A (p.Gly510=)

Gene: CACNA2D1 (calcium voltage-gated channel auxiliary subunit alpha2delta 1; minus strand). Cytogenetic location: 7q21.11.
Variant type: single nucleotide variant.
Coding change: c.1530G>A on transcript NM_000722.4 (MANE Select); coding-DNA position 1530, G replaced by A.
Protein change: p.Gly510=; no amino-acid change (glycine 510 retained).
Molecular consequence: synonymous variant.
Genome position (GRCh38, 1-based): chr7:82,005,483, C>T on the plus strand (G>A on the coding strand, the complement: CACNA2D1 is on the minus strand). VCF-style: chr7-82005483-C-T. GRCh37 (hg19) VCF-style: chr7-81634799-C-T.
Other names: c.1530G>A (LRG_437t1); c.1530G>A, p.Gly510= (NM_001366867.1).
Identifiers: ClinVar variation 220552 (VCV000220552.17), dbSNP rs757607965, ClinGen allele CA349482.

ClinVar aggregate classification (germline): Likely benign. Review status: criteria provided, multiple submitters, no conflicts (2 of 4 stars). 4 submissions from 4 submitters: Likely benign (3). 1 of the submissions does not count toward it. Last evaluated 2025-11-24.

Conditions:
CACNA2D1-related disorder. Also called: CACNA2D1-related condition.
Cardiovascular phenotype. Identifiers: MedGen CN230736.
Brugada syndrome. Also called: Sudden unexpected nocturnal death syndrome; Sudden unexplained nocturnal death syndrome; Sudden Unexplained Death Syndrome; Sudden Unexplained Nocturnal Death Syndrome (SUNDS). Identifiers: Orphanet 130, MedGen C1142166, MONDO:0015263.

Allele frequency attached by ClinVar (database versions not stated): gnomAD exomes 0.00004 and 0.00016; ExAC 0.00007; gnomAD 0.00012; TOPMed 0.00028.
gnomAD v4.1: 74 of 1,590,280 alleles (0.0047%); highest among the groups gnomAD compares: Admixed American, 0.12%; no homozygotes.

Submissions (4):

Labcorp Genetics (formerly Invitae), Labcorp
Classification: Likely benign for Brugada syndrome. Last evaluated: 2025-11-24. Review status: criteria provided, single submitter. Criteria: Invitae Variant Classification Sherloc (09022015). Collection method: clinical testing. Allele origin: germline.

GeneDx
Classification: Likely benign. Last evaluated: 2021-06-17. Review status: criteria provided, single submitter. Criteria: GeneDx Variant Classification Process June 2021. Collection method: clinical testing. Allele origin: germline. Affected: yes.

Ambry Genetics
Classification: Likely benign for Cardiovascular phenotype. Last evaluated: 2021-01-21. Review status: criteria provided, single submitter. Criteria: Ambry Variant Classification Scheme 2023. Collection method: clinical testing. Allele origin: germline.

PreventionGenetics, part of Exact Sciences
Classification: Likely benign for CACNA2D1-related condition. Last evaluated: 2020-01-27. Review status: no assertion criteria provided. Collection method: clinical testing. Allele origin: germline. Not counted in ClinVar's aggregate classification.
Comment: This variant is classified as likely benign based on ACMG/AMP sequence variant interpretation guidelines (Richards et al. 2015 PMID: 25741868, with internal and published modifications).